The following is an entry in ClinVar:

NM_002739.5(PRKCG):c.42dup (p.Pro15fs)

Gene: PRKCG (protein kinase C gamma; plus strand). Cytogenetic location: 19q13.42.
Variant type: Duplication.
Coding change: c.42dup on transcript NM_002739.5 (MANE Select); coding-DNA position 42, one base duplicated (A; older notation c.42dupA).
Protein change: p.Pro15fs; shifts the reading frame from proline 15.
Molecular consequence: frameshift variant.
Genome position (GRCh38, 1-based): chr19:53,882,536, A duplicated. VCF-style (leftmost placement, unchanged base first): chr19-53882535-G-GA. GRCh37 (hg19) VCF-style: chr19-54385789-G-GA.
Other names: c.42dup, p.Pro15fs (NM_001316329.2); short protein forms P15fs.
Identifiers: ClinVar variation 3363592 (VCV003363592.1).
Genomic context (GRCh38, chr19:53,882,535, plus strand): 5'-CCTGCTACGTTTCTGGGGCCATGGCTGGTCTGGGCCCCGGCGTAGGCGATTCAGAGGGGG[G>GA]ACCCCGGCCCCTGTTTTGCAGAAAGGGGGCCCTGAGGCAGAAGGTGGTCCACGAAGTCAA-3'

ClinVar aggregate classification (germline): Uncertain significance (1 of 4 stars; one submission).

Submission:

GeneDx
Classification: Uncertain significance. Last evaluated: 2023-11-02. Review status: criteria provided, single submitter. Criteria: GeneDx Variant Classification Process June 2021. Collection method: clinical testing. Allele origin: germline. Affected: yes.
Comment: Not observed at significant frequency in large population cohorts (gnomAD); Frameshift variant predicted to result in protein truncation or nonsense mediated decay in a gene or region of a gene for which loss of function is not a well-established mechanism of disease; Has not been previously published as pathogenic or benign to our knowledge